The following is an entry in ClinVar:

ClinVar aggregate classification (germline): Likely benign (1 of 4 stars; one submission).

Allele frequency attached by ClinVar (database versions not stated): gnomAD 0.00001; gnomAD exomes 0.00001; TOPMed 0.00001.
gnomAD v4.1: 11 of 1,556,810 alleles (0.00071%); highest among the groups gnomAD compares: Middle Eastern, 0.017%; no homozygotes.

Submission:

CeGaT Center for Human Genetics Tuebingen
Classification: Likely benign. Last evaluated: 2022-06-01. Review status: criteria provided, single submitter. Criteria: CeGaT Center For Human Genetics Tuebingen Variant Classification Criteria Version 2. Collection method: clinical testing. Allele origin: germline. Affected: yes. Observed: 1 variant allele.
Comment: CCNK: BP4

NM_001099402.2(CCNK):c.1012-7G>C

Genes: CCDC85C (coiled-coil domain containing 85C; minus strand), CCNK (cyclin K; plus strand). Cytogenetic location: 14q32.2.
Variant type: single nucleotide variant.
Coding change: c.1012-7G>C on transcript NM_001099402.2 (MANE Select); 7 bases into the intron before coding-DNA position 1012, G replaced by C.
Molecular consequence: intron variant. On other transcripts: 3 prime UTR variant (1).
Genome position (GRCh38, 1-based): chr14:99,503,604, G>C. VCF-style: chr14-99503604-G-C. GRCh37 (hg19) VCF-style: chr14-99969941-G-C.
Other names: c.*11642C>G (NM_001144995.2).
Identifiers: ClinVar variation 2644508 (VCV002644508.24), dbSNP rs1288409311, ClinGen allele CA487860137.